The following is an entry in ClinVar:

NM_001849.4(COL6A2):c.416C>G (p.Ala139Gly)

Gene: COL6A2 (collagen type VI alpha 2 chain; plus strand). Cytogenetic location: 21q22.3.
Variant type: single nucleotide variant.
Coding change: c.416C>G on transcript NM_001849.4 (MANE Select); coding-DNA position 416, C replaced by G.
Protein change: p.Ala139Gly; replaces alanine 139 with glycine.
Molecular consequence: missense variant.
Genome position (GRCh38, 1-based): chr21:46,112,279, C>G. VCF-style: chr21-46112279-C-G. GRCh37 (hg19) VCF-style: chr21-47532193-C-G.
Other names: c.416C>G, p.Ala139Gly (NM_058174.3, NM_058175.3); short protein forms A139G.
Identifiers: ClinVar variation 970865 (VCV000970865.10), dbSNP rs749711324, ClinGen allele CA410521447.

ClinVar aggregate classification (germline): Uncertain significance (1 of 4 stars; one submission).

Conditions:
Bethlem myopathy 1A. Also called: Bethlem Muscular Dystrophy; Bethlem myopathy 1; MYOPATHY, BENIGN CONGENITAL, WITH CONTRACTURES. Identifiers: Orphanet 610, MedGen CN029274, MONDO:0024530, OMIM 158810.

Submission:

Labcorp Genetics (formerly Invitae), Labcorp
Classification: Uncertain significance for Bethlem myopathy 1A. Last evaluated: 2019-11-02. Review status: criteria provided, single submitter. Criteria: Invitae Variant Classification Sherloc (09022015). Collection method: clinical testing. Allele origin: germline.
Comment: This sequence change replaces alanine with glycine at codon 139 of the COL6A2 protein (p.Ala139Gly). The alanine residue is weakly conserved and there is a small physicochemical difference between alanine and glycine. This variant is not present in population databases (ExAC no frequency). In summary, the available evidence is currently insufficient to determine the role of this variant in disease. Therefore, it has been classified as a Variant of Uncertain Significance. Algorithms developed to predict the effect of missense changes on protein structure and function output the following: SIFT: "Tolerated"; PolyPhen-2: "Benign"; Align-GVGD: "Class C0". The glycine amino acid residue is found in multiple mammalian species, suggesting that this missense change does not adversely affect protein function. These predictions have not been confirmed by published functional studies and their clinical significance is uncertain. This variant has not been reported in the literature in individuals with COL6A2-related conditions.